The following is an entry in ClinVar:

ClinVar aggregate classification (germline): Benign (3 of 4 stars; one submission).

Conditions:
Breast-ovarian cancer, familial, susceptibility to, 1 (BROVCA1). Also called: BRCA1 Hereditary Breast and Ovarian Cancer; OVARIAN CANCER, SUSCEPTIBILITY TO. Identifiers: Orphanet 145, MedGen C2676676, MONDO:0011450, OMIM 604370. Disease mechanism: loss of function.

Allele frequency attached by ClinVar (database versions not stated): gnomAD 0.00372 and 0.00395; TOPMed 0.00414; 1000 Genomes Project 0.00479; 1000 Genomes Project 30x 0.00515.
gnomAD v4.1: 555 of 151,102 alleles (0.37%); highest among the groups gnomAD compares: African/African-American, 1.3%; 3 homozygotes.

Submission:

Evidence-based Network for the Interpretation of Germline Mutant Alleles (ENIGMA)
Classification: Benign for Breast-ovarian cancer, familial 1. Last evaluated: 2015-01-12. Review status: reviewed by expert panel. Criteria: ENIGMA BRCA1/2 Classification Criteria (2015). Collection method: curation. Allele origin: germline.
Comment: Class 1 not pathogenic based on frequency >1% in an outbred sampleset. Frequency 0.0122 (African), derived from 1000 genomes (2012-04-30).

NM_007294.4(BRCA1):c.441+1990C>T

Gene: BRCA1 (BRCA1 DNA repair associated; minus strand). Cytogenetic location: 17q21.31.
Variant type: single nucleotide variant.
Coding change: c.441+1990C>T on transcript NM_007294.4 (MANE Select); 1990 bases into the intron after coding-DNA position 441, C replaced by T.
Molecular consequence: intron variant.
Genome position (GRCh38, 1-based): chr17:43,102,132, G>A on the plus strand (C>T on the coding strand, the complement: BRCA1 is on the minus strand). VCF-style: chr17-43102132-G-A. GRCh37 (hg19) VCF-style: chr17-41254149-G-A.
Other names: IVS 7+1990C>T; c.300+1990C>T (NM_001408458.1, NM_001407931.1, NM_001407747.1 and 99 more transcripts); c.-218-7272C>T (NM_001407967.1, NM_001407966.1); c.60+1990C>T (NM_001407959.1, NM_001407962.1, NM_001408512.1 and 4 more transcripts); c.231+1990C>T (NM_001407885.1, NM_001407886.1, NM_001407898.1 and 58 more transcripts); c.441+1990C>T (NM_001407686.1, NM_001408397.1, NM_001407632.1 and 164 more transcripts); c.309+1990C>T (NM_001408451.1); c.363+1990C>T (NM_001408475.1, NM_001407875.1, NM_001407659.1 and 21 more transcripts); and 1 more.
Identifiers: ClinVar variation 209477 (VCV000209477.2), dbSNP rs183687593, ClinGen allele CA276447.